The following is an entry in ClinVar:

NM_001128840.3(CACNA1D):c.920-17G>C

Gene: CACNA1D (calcium voltage-gated channel subunit alpha1 D; plus strand). Cytogenetic location: 3p21.1.
Variant type: single nucleotide variant.
Coding change: c.920-17G>C on transcript NM_001128840.3 (MANE Select); 17 bases into the intron before coding-DNA position 920, G replaced by C.
Molecular consequence: intron variant.
Genome position (GRCh38, 1-based): chr3:53,666,322, G>C. VCF-style: chr3-53666322-G-C. GRCh37 (hg19) VCF-style: chr3-53700349-G-C.
Other names: c.920-17G>C (NM_001128839.3, NM_000720.4).
Identifiers: ClinVar variation 2975407 (VCV002975407.5), dbSNP rs183667438, ClinGen allele CA2453788.

ClinVar aggregate classification (germline): Likely benign. Review status: criteria provided, multiple submitters, no conflicts (2 of 4 stars). 3 submissions from 3 submitters: Likely benign (3). Last evaluated 2025-07-23.

Allele frequency attached by ClinVar (database versions not stated): TOPMed below 0.00001; gnomAD exomes 0.00001; 1000 Genomes Project 30x 0.00031; 1000 Genomes Project 0.00040.
gnomAD v4.1: 23 of 1,611,962 alleles (0.0014%); highest among the groups gnomAD compares: Middle Eastern, 0.074%; no homozygotes.

Submissions (3):

Women's Health and Genetics/Laboratory Corporation of America, LabCorp
Classification: Likely benign. Last evaluated: 2025-07-23. Review status: criteria provided, single submitter. Criteria: LabCorp Variant Classification Summary - May 2015. Collection method: clinical testing. Allele origin: germline.
Comment: Variant summary: CACNA1D c.920-17G>C alters a nucleotide located at a position not widely known to affect splicing. Consensus agreement among computation tools predict no significant impact on normal splicing. However, these predictions have yet to be confirmed by functional studies. The variant allele was found at a frequency of 1.2e-05 in 250856 control chromosomes. The available data on variant occurrences in the general population are insufficient to allow any conclusion about variant significance. To our knowledge, no occurrence of c.920-17G>C in individuals affected with Sinoatrial Node Dysfunction And Deafness and no experimental evidence demonstrating its impact on protein function have been reported. ClinVar contains an entry for this variant (Variation ID: 2975407). Based on the evidence outlined above, the variant was classified as likely benign.

Blueprint Genetics
Classification: Likely benign. Last evaluated: 2024-08-09. Review status: criteria provided, single submitter. Criteria: ACMG Guidelines, 2015. Collection method: clinical testing. Allele origin: germline.

Labcorp Genetics (formerly Invitae), Labcorp
Classification: Likely benign. Last evaluated: 2022-12-10. Review status: criteria provided, single submitter. Criteria: Invitae Variant Classification Sherloc (09022015). Collection method: clinical testing. Allele origin: germline.